The following is an entry in ClinVar:

ClinVar aggregate classification (germline): Uncertain significance (1 of 4 stars; one submission).

Conditions:
Pulmonary hypertension, primary, 4. Identifiers: Orphanet 422, MedGen C3809198, MONDO:0014136, OMIM 615344.

gnomAD v4.1: 2 of 1,516,150 alleles (0.00013%); highest among the groups gnomAD compares: Non-Finnish European, 0.00018%; no homozygotes.

Submission:

Labcorp Genetics (formerly Invitae), Labcorp
Classification: Uncertain significance for Pulmonary hypertension, primary, 4. Last evaluated: 2025-08-21. Review status: criteria provided, single submitter. Criteria: Invitae Variant Classification Sherloc (09022015). Collection method: clinical testing. Allele origin: germline.
Comment: This sequence change replaces histidine, which is basic and polar, with glutamine, which is neutral and polar, at codon 98 of the KCNK3 protein (p.His98Gln). This variant is present in population databases (rs143689341, gnomAD 0.002%). This variant has not been reported in the literature in individuals affected with KCNK3-related conditions. Invitae Evidence Modeling of protein sequence and biophysical properties (such as structural, functional, and spatial information, amino acid conservation, physicochemical variation, residue mobility, and thermodynamic stability) indicates that this missense variant is expected to disrupt KCNK3 protein function with a positive predictive value of 80%. In summary, the available evidence is currently insufficient to determine the role of this variant in disease. Therefore, it has been classified as a Variant of Uncertain Significance.

NM_002246.3(KCNK3):c.294C>G (p.His98Gln)

Gene: KCNK3 (potassium two pore domain channel subfamily K member 3; plus strand). Cytogenetic location: 2p23.3.
Variant type: single nucleotide variant.
Coding change: c.294C>G on transcript NM_002246.3 (MANE Select); coding-DNA position 294, C replaced by G.
Protein change: p.His98Gln; replaces histidine 98 with glutamine.
Molecular consequence: missense variant.
Genome position (GRCh38, 1-based): chr2:26,727,677, C>G. VCF-style: chr2-26727677-C-G. GRCh37 (hg19) VCF-style: chr2-26950545-C-G.
Other names: short protein forms H98Q.
Identifiers: ClinVar variation 4811007 (VCV004811007.1).
Genomic context (GRCh38, chr2:26,727,677, plus strand): 5'-GGGCAGCCCCAAAATGTGTGCTTTTTCTCCTCTTTCCCACTTTCCCCCAGGCTACGGGCA[C>G]GCGGCACCCAGCACGGATGGCGGCAAGGTGTTCTGCATGTTCTACGCGCTGCTGGGCATC-3'
Protein context (NP_002237.1, residues 88-108): ITVITTIGYG[His98Gln]AAPSTDGGKV